The following is an entry in ClinVar:

NR_046473.1(MEG3):n.7405G>A

Gene: MEG3 (maternally expressed 3; plus strand). Cytogenetic location: 14q32.2.
Variant type: single nucleotide variant.
Molecular consequence: non-coding transcript variant (on NR_046473.1).
Genome position: GRCh38 VCF-style: chr14-100852021-G-A. GRCh37 (hg19) VCF-style: chr14-101318358-G-A.
Identifiers: ClinVar variation 3045679 (VCV003045679.2), dbSNP rs78555954, ClinGen allele CA266871169.

ClinVar aggregate classification (germline): Benign (0 of 4 stars; one submission).

Conditions:
MEG3-related disorder. Also called: MEG3-related condition.

Allele frequency attached by ClinVar (database versions not stated): gnomAD 0.01143; 1000 Genomes Project 30x 0.01312; 1000 Genomes Project 0.01378.
gnomAD v4.1: 1,813 of 235,934 alleles (0.77%); highest among the groups gnomAD compares: African/African-American, 3.9%; 31 homozygotes.

Submission:

PreventionGenetics, part of Exact Sciences
Classification: Benign for MEG3-related condition. Last evaluated: 2020-01-28. Review status: no assertion criteria provided. Collection method: clinical testing. Allele origin: germline.
Comment: This variant is classified as benign based on ACMG/AMP sequence variant interpretation guidelines (Richards et al. 2015 PMID: 25741868, with internal and published modifications).